The following is an entry in ClinVar:

ClinVar aggregate classification (germline): Benign. Review status: criteria provided, multiple submitters, no conflicts (2 of 4 stars). 2 submissions from 2 submitters: Benign (2). Last evaluated 2018-06-19.

Allele frequency attached by ClinVar (database versions not stated): gnomAD 0.41548 and 0.41643; TOPMed 0.87350; 1000 Genomes Project 0.89677.

Submissions (2):

GeneDx
Classification: Benign. Last evaluated: 2018-06-19. Review status: criteria provided, single submitter. Criteria: GeneDx Variant Classification (06012015). Collection method: clinical testing. Allele origin: germline. Affected: yes.
Comment: This variant is considered likely benign or benign based on one or more of the following criteria: it is a conservative change, it occurs at a poorly conserved position in the protein, it is predicted to be benign by multiple in silico algorithms, and/or has population frequency not consistent with disease.

Breakthrough Genomics
Classification: Benign. Review status: criteria provided, single submitter. Criteria: ACMG Guidelines, 2015. Collection method: not provided. Allele origin: germline. Inheritance: Autosomal recessive inheritance. Affected: yes.

NM_198576.4(AGRN):c.1177+121G>C

Gene: AGRN (agrin; plus strand). Cytogenetic location: 1p36.33.
Variant type: single nucleotide variant.
Coding change: c.1177+121G>C on transcript NM_198576.4 (MANE Select); 121 bases into the intron after coding-DNA position 1177, G replaced by C.
Molecular consequence: intron variant.
Genome position (GRCh38, 1-based): chr1:1,041,823, G>C. VCF-style: chr1-1041823-G-C. GRCh37 (hg19) VCF-style: chr1-977203-G-C.
Other names: c.1177+121G>C (NM_001305275.2); c.862+121G>C (NM_001364727.2).
Identifiers: ClinVar variation 677945 (VCV000677945.2), dbSNP rs3121552, ClinGen allele CA16752122.